The following is an entry in ClinVar:

NM_021831.6(AGBL5):c.611G>T (p.Arg204Leu)

Gene: AGBL5 (AGBL carboxypeptidase 5; plus strand). Cytogenetic location: 2p23.3.
Variant type: single nucleotide variant.
Coding change: c.611G>T on transcript NM_021831.6 (MANE Select); coding-DNA position 611, G replaced by T.
Protein change: p.Arg204Leu; replaces arginine 204 with leucine.
Molecular consequence: missense variant. On other transcripts: non-coding transcript variant (2).
Genome position (GRCh38, 1-based): chr2:27,054,689, G>T. VCF-style: chr2-27054689-G-T. GRCh37 (hg19) VCF-style: chr2-27277557-G-T.
Other names: c.611G>T, p.Arg204Leu (NM_001035507.3); short protein forms R204L.
Identifiers: ClinVar variation 1487649 (VCV001487649.8), dbSNP rs202064757, ClinGen allele CA346173318.

ClinVar aggregate classification (germline): Uncertain significance (1 of 4 stars; one submission).

gnomAD v4.1: 3 of 1,614,000 alleles (0.00019%); highest among the groups gnomAD compares: Non-Finnish European, 0.00025%; no homozygotes.

Submission:

Labcorp Genetics (formerly Invitae), Labcorp
Classification: Uncertain significance. Last evaluated: 2020-11-23. Review status: criteria provided, single submitter. Criteria: Invitae Variant Classification Sherloc (09022015). Collection method: clinical testing. Allele origin: germline.
Comment: In summary, the available evidence is currently insufficient to determine the role of this variant in disease. Therefore, it has been classified as a Variant of Uncertain Significance. Algorithms developed to predict the effect of missense changes on protein structure and function (SIFT, PolyPhen-2, Align-GVGD) all suggest that this variant is likely to be disruptive, but these predictions have not been confirmed by published functional studies and their clinical significance is uncertain. This variant has not been reported in the literature in individuals with AGBL5-related conditions. This variant is not present in population databases (ExAC no frequency). This sequence change replaces arginine with leucine at codon 204 of the AGBL5 protein (p.Arg204Leu). The arginine residue is highly conserved and there is a moderate physicochemical difference between arginine and leucine.